The following is an entry in ClinVar:

ClinVar aggregate classification (germline): Uncertain significance (1 of 4 stars; one submission).

Conditions:
Mitochondrial trifunctional protein deficiency. Identifiers: Orphanet 746, MedGen C1969443, MONDO:0012172.

Submission:

Labcorp Genetics (formerly Invitae), Labcorp
Classification: Uncertain significance for Mitochondrial trifunctional protein deficiency. Last evaluated: 2023-08-04. Review status: criteria provided, single submitter. Criteria: Invitae Variant Classification Sherloc (09022015). Collection method: clinical testing. Allele origin: germline.
Comment: This sequence change replaces methionine, which is neutral and non-polar, with arginine, which is basic and polar, at codon 318 of the HADHB protein (p.Met318Arg). This variant is not present in population databases (gnomAD no frequency). In summary, the available evidence is currently insufficient to determine the role of this variant in disease. Therefore, it has been classified as a Variant of Uncertain Significance. Advanced modeling of protein sequence and biophysical properties (such as structural, functional, and spatial information, amino acid conservation, physicochemical variation, residue mobility, and thermodynamic stability) performed at Invitae indicates that this missense variant is not expected to disrupt HADHB protein function. ClinVar contains an entry for this variant (Variation ID: 1374198). This variant has not been reported in the literature in individuals affected with HADHB-related conditions.

NM_000183.3(HADHB):c.953T>G (p.Met318Arg)

Gene: HADHB (hydroxyacyl-CoA dehydrogenase trifunctional multienzyme complex subunit beta; plus strand). Cytogenetic location: 2p23.3.
Variant type: single nucleotide variant.
Coding change: c.953T>G on transcript NM_000183.3 (MANE Select); coding-DNA position 953, T replaced by G.
Protein change: p.Met318Arg; replaces methionine 318 with arginine.
Molecular consequence: missense variant.
Genome position (GRCh38, 1-based): chr2:26,282,864, T>G. VCF-style: chr2-26282864-T-G. GRCh37 (hg19) VCF-style: chr2-26505732-T-G.
Other names: c.908T>G, p.Met303Arg (NM_001281512.2); c.887T>G, p.Met296Arg (NM_001281513.2); short protein forms M296R, M318R, M303R.
Identifiers: ClinVar variation 1374198 (VCV001374198.8), dbSNP rs2147829865, ClinGen allele CA346094472.
Genomic context (GRCh38, chr2:26,282,864, plus strand): 5'-CAGGCTGAAGAATTTTAACATTGTGCTGGTTAACATTTCAGACTGATGGTGCATCTGCAA[T>G]GTTAATCATGGCGGAGGAAAAGGCTCTGGCCATGGGTTATAAGCCGAAGGCATATTTGAG-3'
Protein context (NP_000174.1, residues 308-328): SSFLTDGASA[Met318Arg]LIMAEEKALA